The following is an entry in ClinVar:

ClinVar aggregate classification (germline): Uncertain significance. Review status: criteria provided, multiple submitters, no conflicts (2 of 4 stars). 2 submissions from 2 submitters: Uncertain significance (2). Last evaluated 2026-01-25.

gnomAD v4.1: 4 of 1,609,738 alleles (0.00025%); highest among the groups gnomAD compares: Non-Finnish European, 0.00034%; no homozygotes.

Submissions (2):

Labcorp Genetics (formerly Invitae), Labcorp
Classification: Uncertain significance. Last evaluated: 2026-01-25. Review status: criteria provided, single submitter. Criteria: Invitae Variant Classification Sherloc (09022015). Collection method: clinical testing. Allele origin: germline.
Comment: This sequence change replaces serine, which is neutral and polar, with glycine, which is neutral and non-polar, at codon 283 of the IRF9 protein (p.Ser283Gly). This variant is present in population databases (rs778464495, gnomAD 0.0009%). This variant has not been reported in the literature in individuals affected with IRF9-related conditions. ClinVar contains an entry for this variant (Variation ID: 3861277). An algorithm developed to predict the effect of missense changes on protein structure and function (PolyPhen-2) suggests that this variant is likely to be disruptive. In summary, the available evidence is currently insufficient to determine the role of this variant in disease. Therefore, it has been classified as a Variant of Uncertain Significance.

Ambry Genetics
Classification: Uncertain significance. Last evaluated: 2025-01-24. Review status: criteria provided, single submitter. Criteria: Ambry Variant Classification Scheme 2023. Collection method: clinical testing. Allele origin: germline.

NM_006084.5(IRF9):c.847A>G (p.Ser283Gly)

Gene: IRF9 (interferon regulatory factor 9; plus strand). Cytogenetic location: 14q12.
Variant type: single nucleotide variant.
Coding change: c.847A>G on transcript NM_006084.5 (MANE Select); coding-DNA position 847, A replaced by G.
Protein change: p.Ser283Gly; replaces serine 283 with glycine.
Molecular consequence: missense variant. On other transcripts: intron variant (1).
Genome position (GRCh38, 1-based): chr14:24,164,811, A>G. VCF-style: chr14-24164811-A-G. GRCh37 (hg19) VCF-style: chr14-24634020-A-G.
Other names: c.874A>G, p.Ser292Gly (NM_001385400.1, NM_001385401.1); c.650-66A>G (NM_001385402.1); short protein forms S292G, S283G.
Identifiers: ClinVar variation 3861277 (VCV003861277.2).
Genomic context (GRCh38, chr14:24,164,811, plus strand): 5'-GGCCCACTGGAGCCCACGCAGCGCCTGCTGAGCCAGCTTGAGAGGGGCATCCTAGTGGCC[A>G]GCAACCCCCGAGGCCTCTTCGTGCAGCGCCTTTGCCCCATCCCCATCTCCTGGAATGCAC-3'
Protein context (NP_006075.3, residues 273-293): SQLERGILVA[Ser283Gly]NPRGLFVQRL